The following is an entry in ClinVar:

NM_001111.5(ADAR):c.881T>C (p.Leu294Ser)

Gene: ADAR (adenosine deaminase RNA specific; minus strand). Cytogenetic location: 1q21.3.
Variant type: single nucleotide variant.
Coding change: c.881T>C on transcript NM_001111.5 (MANE Select); coding-DNA position 881, T replaced by C.
Protein change: p.Leu294Ser; replaces leucine 294 with serine.
Molecular consequence: missense variant. On other transcripts: 5 prime UTR variant (6).
Genome position (GRCh38, 1-based): chr1:154,601,761, A>G on the plus strand (T>C on the coding strand, the complement: ADAR is on the minus strand). VCF-style: chr1-154601761-A-G. GRCh37 (hg19) VCF-style: chr1-154574237-A-G.
Other names: c.-5T>C (NM_001025107.3, NM_001193495.2, NM_001365046.1 and 3 more transcripts); c.908T>C, p.Leu303Ser (NM_001365045.1); c.881T>C, p.Leu294Ser (NM_015840.4, NM_015841.4); short protein forms L303S, L294S.
Identifiers: ClinVar variation 4782610 (VCV004782610.1).

ClinVar aggregate classification (germline): Uncertain significance (1 of 4 stars; one submission).

Conditions:
Aicardi-Goutieres syndrome 6 (AGS6). Identifiers: Orphanet 51, MedGen C3539013, MONDO:0014007, OMIM 615010.
Symmetrical dyschromatosis of extremities (DSH). Also called: Dyschromatosis symmetrica hereditaria; DYSCHROMATOSIS SYMMETRICA HEREDITARIA 1; RETICULATE ACROPIGMENTATION OF DOHI; SYMMETRIC DYSCHROMATOSIS OF THE EXTREMITIES. Identifiers: Orphanet 41, MedGen C0406775, MONDO:0007483, OMIM 127400.

Submission:

Labcorp Genetics (formerly Invitae), Labcorp
Classification: Uncertain significance for Aicardi-Goutieres syndrome 6; Symmetrical dyschromatosis of extremities. Last evaluated: 2025-05-18. Review status: criteria provided, single submitter. Criteria: Invitae Variant Classification Sherloc (09022015). Collection method: clinical testing. Allele origin: germline.
Comment: This sequence change replaces leucine, which is neutral and non-polar, with serine, which is neutral and polar, at codon 294 of the ADAR protein (p.Leu294Ser). This variant is not present in population databases (gnomAD no frequency). This variant has not been reported in the literature in individuals affected with ADAR-related conditions. Invitae Evidence Modeling of protein sequence and biophysical properties (such as structural, functional, and spatial information, amino acid conservation, physicochemical variation, residue mobility, and thermodynamic stability) indicates that this missense variant is not expected to disrupt ADAR protein function with a negative predictive value of 80%. In summary, the available evidence is currently insufficient to determine the role of this variant in disease. Therefore, it has been classified as a Variant of Uncertain Significance.